The following is an entry in ClinVar:

ClinVar aggregate classification (germline): Uncertain significance (1 of 4 stars; one submission).

Conditions:
Emery-Dreifuss muscular dystrophy 5, autosomal dominant (EDMD5). Also called: EMERY-DREIFUSS MUSCULAR DYSTROPHY 5. Identifiers: Orphanet 261, MedGen C2751805, MONDO:0013072, OMIM 612999.

gnomAD v4.1: 8 of 1,612,826 alleles (0.0005%); highest among the groups gnomAD compares: South Asian, 0.0011%; no homozygotes.

Submission:

Labcorp Genetics (formerly Invitae), Labcorp
Classification: Uncertain significance for Emery-Dreifuss muscular dystrophy 5, autosomal dominant. Last evaluated: 2022-12-04. Review status: criteria provided, single submitter. Criteria: Invitae Variant Classification Sherloc (09022015). Collection method: clinical testing. Allele origin: germline.
Comment: In summary, the available evidence is currently insufficient to determine the role of this variant in disease. Therefore, it has been classified as a Variant of Uncertain Significance. Algorithms developed to predict the effect of missense changes on protein structure and function output the following: SIFT: "Tolerated"; PolyPhen-2: "Benign"; Align-GVGD: "Class C0". The histidine amino acid residue is found in multiple mammalian species, which suggests that this missense change does not adversely affect protein function. This variant has not been reported in the literature in individuals affected with SYNE2-related conditions. This variant is present in population databases (no rsID available, gnomAD 0.003%). This sequence change replaces tyrosine, which is neutral and polar, with histidine, which is basic and polar, at codon 1637 of the SYNE2 protein (p.Tyr1637His).

NM_182914.3(SYNE2):c.4909T>C (p.Tyr1637His)

Gene: SYNE2 (spectrin repeat containing nuclear envelope protein 2; plus strand). Cytogenetic location: 14q23.2.
Variant type: single nucleotide variant.
Coding change: c.4909T>C on transcript NM_182914.3 (MANE Select); coding-DNA position 4909, T replaced by C.
Protein change: p.Tyr1637His; replaces tyrosine 1637 with histidine.
Molecular consequence: missense variant.
Genome position (GRCh38, 1-based): chr14:64,017,616, T>C. VCF-style: chr14-64017616-T-C. GRCh37 (hg19) VCF-style: chr14-64484334-T-C.
Other names: c.4909T>C, p.Tyr1637His (NM_015180.6); short protein forms Y1637H.
Identifiers: ClinVar variation 2800426 (VCV002800426.3), dbSNP rs781393158, ClinGen allele CA389938123.